The following is an entry in ClinVar:

ClinVar aggregate classification (germline): Uncertain significance (1 of 4 stars; one submission).

Submission:

Labcorp Genetics (formerly Invitae), Labcorp
Classification: Uncertain significance. Last evaluated: 2022-02-25. Review status: criteria provided, single submitter. Criteria: Invitae Variant Classification Sherloc (09022015). Collection method: clinical testing. Allele origin: germline.
Comment: In summary, the available evidence is currently insufficient to determine the role of this variant in disease. Therefore, it has been classified as a Variant of Uncertain Significance. Algorithms developed to predict the effect of sequence changes on RNA splicing suggest that this variant may create or strengthen a splice site. Algorithms developed to predict the effect of missense changes on protein structure and function are either unavailable or do not agree on the potential impact of this missense change (SIFT: "Deleterious"; PolyPhen-2: "Probably Damaging"; Align-GVGD: "Class C15"). This variant has not been reported in the literature in individuals affected with PDE6G-related conditions. This variant is not present in population databases (gnomAD no frequency). This sequence change replaces phenylalanine, which is neutral and non-polar, with leucine, which is neutral and non-polar, at codon 50 of the PDE6G protein (p.Phe50Leu).

NM_002602.4(PDE6G):c.148T>C (p.Phe50Leu)

Gene: PDE6G (phosphodiesterase 6G; minus strand). Cytogenetic location: 17q25.3.
Variant type: single nucleotide variant.
Coding change: c.148T>C on transcript NM_002602.4 (MANE Select); coding-DNA position 148, T replaced by C.
Protein change: p.Phe50Leu; replaces phenylalanine 50 with leucine.
Molecular consequence: missense variant. On other transcripts: non-coding transcript variant (2).
Genome position (GRCh38, 1-based): chr17:81,651,684, A>G on the plus strand (T>C on the coding strand, the complement: PDE6G is on the minus strand). VCF-style: chr17-81651684-A-G. GRCh37 (hg19) VCF-style: chr17-79618714-A-G.
Other names: c.148T>C, p.Phe50Leu (NM_001365724.1, NM_001365725.1); short protein forms F50L.
Identifiers: ClinVar variation 2082224 (VCV002082224.4), dbSNP rs2509805636, ClinGen allele CA401474316.